The following is an entry in ClinVar:

NM_001184.4(ATR):c.5453C>G (p.Ala1818Gly)

Gene: ATR (ATR checkpoint kinase; minus strand). Cytogenetic location: 3q23.
Variant type: single nucleotide variant.
Coding change: c.5453C>G on transcript NM_001184.4 (MANE Select); coding-DNA position 5453, C replaced by G.
Protein change: p.Ala1818Gly; replaces alanine 1818 with glycine.
Molecular consequence: missense variant.
Genome position (GRCh38, 1-based): chr3:142,498,702, G>C on the plus strand (C>G on the coding strand, the complement: ATR is on the minus strand). VCF-style: chr3-142498702-G-C. GRCh37 (hg19) VCF-style: chr3-142217544-G-C.
Other names: c.5261C>G, p.Ala1754Gly (NM_001354579.2); short protein forms A1818G, A1754G.
Identifiers: ClinVar variation 1747624 (VCV001747624.2), dbSNP rs2108341333, ClinGen allele CA354815945.

ClinVar aggregate classification (germline): Uncertain significance (1 of 4 stars; one submission).

Conditions:
Inborn genetic diseases. Identifiers: MedGen C0950123, MeSH D030342.

Submission:

Ambry Genetics
Classification: Uncertain significance for Inborn genetic diseases. Last evaluated: 2022-02-03. Review status: criteria provided, single submitter. Criteria: Ambry Variant Classification Scheme 2023. Collection method: clinical testing. Allele origin: germline.
Comment: The p.A1818G variant (also known as c.5453C>G), located in coding exon 32 of the ATR gene, results from a C to G substitution at nucleotide position 5453. The alanine at codon 1818 is replaced by glycine, an amino acid with similar properties. This amino acid position is conserved. In addition, this alteration is predicted to be tolerated by in silico analysis. Since supporting evidence is limited at this time, the clinical significance of this alteration remains unclear.